The following is an entry in ClinVar:

ClinVar aggregate classification (germline): Likely benign. Review status: reviewed by expert panel (3 of 4 stars). 6 submissions from 6 submitters: Likely benign (1). 5 of the submissions do not count toward it. Last evaluated 2017-06-29.

Conditions:
Hereditary cancer-predisposing syndrome. Also called: Hereditary neoplastic syndrome; Hereditary Cancer Syndrome; Neoplastic Syndromes, Hereditary; Tumor predisposition. Identifiers: Orphanet 140162, MedGen C0027672, MeSH D009386, MONDO:0015356.
Hereditary breast ovarian cancer syndrome. Also called: Hereditary breast and ovarian cancer syndrome; BRCA1- and BRCA2-Associated Hereditary Breast and Ovarian Cancer; Hereditary breast and/or ovarian cancer syndrome; Hereditary breast and ovarian cancer; Breast and ovarian cancer; Hereditary breast and ovarian cancer syndrome (HBOC). Identifiers: Orphanet 145, MedGen C0677776, MeSH D061325, MONDO:0003582. Disease mechanism: loss of function.
Breast-ovarian cancer, familial, susceptibility to, 2 (BROVCA2). Also called: BRCA2 Hereditary Breast and Ovarian Cancer. Identifiers: Orphanet 145, MedGen C2675520, MONDO:0012933, OMIM 612555. Disease mechanism: loss of function.

Allele frequency attached by ClinVar (database versions not stated): gnomAD exomes 0.00001; ExAC 0.00002.
gnomAD v4.1: 8 of 1,613,876 alleles (0.0005%); highest among the groups gnomAD compares: Non-Finnish European, 0.00059%; no homozygotes.

Submissions (6):

Evidence-based Network for the Interpretation of Germline Mutant Alleles (ENIGMA)
Classification: Likely benign for Breast-ovarian cancer, familial, susceptibility to, 2. Last evaluated: 2017-06-29. Review status: reviewed by expert panel. Criteria: ENIGMA BRCA1/2 Classification Criteria (2017-06-29). Collection method: curation. Allele origin: germline.
Comment: Synonymous substitution variant, with low bioinformatic likelihood to result in a splicing aberration (Splicing prior probability 0.02).

Labcorp Genetics (formerly Invitae), Labcorp
Classification: Likely benign for Hereditary breast ovarian cancer syndrome. Last evaluated: 2025-02-06. Review status: criteria provided, single submitter. Criteria: Invitae Variant Classification Sherloc (09022015). Collection method: clinical testing. Allele origin: germline. Not counted in ClinVar's aggregate classification.

Mendelics
Classification: Benign for Hereditary breast ovarian cancer syndrome. Last evaluated: 2023-08-22. Review status: criteria provided, single submitter. Criteria: Mendelics Assertion Criteria 2019. Collection method: clinical testing. Allele origin: germline. Not counted in ClinVar's aggregate classification.

All of Us Research Program, National Institutes of Health
Classification: Likely benign for Breast-ovarian cancer, familial, susceptibility to, 2. Last evaluated: 2023-03-17. Review status: criteria provided, single submitter. Criteria: ACMG Guidelines, 2015. Collection method: clinical testing. Allele origin: germline. Inheritance: Autosomal dominant inheritance. Observed: 1 variant allele, 1 heterozygote. Not counted in ClinVar's aggregate classification.
Comment: This study involves interpretation of variants in research participants for the purpose of population health screening. Participant phenotype was not available at the time of variant classification. Additional details can be found in publication PMID: 35346344, PMCID: PMC8962531

Ambry Genetics
Classification: Likely benign for Hereditary cancer-predisposing syndrome. Last evaluated: 2020-01-16. Review status: criteria provided, single submitter. Criteria: Ambry Variant Classification Scheme 2023. Collection method: clinical testing. Allele origin: germline. Not counted in ClinVar's aggregate classification.

Color Diagnostics, LLC DBA Color Health
Classification: Likely benign for Hereditary cancer-predisposing syndrome. Last evaluated: 2018-09-05. Review status: criteria provided, single submitter. Criteria: ACMG Guidelines, 2015. Collection method: clinical testing. Allele origin: germline. Not counted in ClinVar's aggregate classification.

NM_000059.4(BRCA2):c.9645T>A (p.Leu3215=)

Gene: BRCA2 (BRCA2 DNA repair associated; plus strand). Cytogenetic location: 13q13.1.
Variant type: single nucleotide variant.
Coding change: c.9645T>A on transcript NM_000059.4 (MANE Select); coding-DNA position 9645, T replaced by A.
Protein change: p.Leu3215=; no amino-acid change (leucine 3215 retained).
Molecular consequence: synonymous variant.
Genome position (GRCh38, 1-based): chr13:32,397,041, T>A. VCF-style: chr13-32397041-T-A. GRCh37 (hg19) VCF-style: chr13-32971178-T-A.
Identifiers: ClinVar variation 427439 (VCV000427439.20), dbSNP rs755111487, ClinGen allele CA6941420.
Genomic context (GRCh38, chr13:32,397,041, plus strand): 5'-TAAAGACTGTACTTCAGGGCCGTACACTGCTCAAATCATTCCTGGTACAGGAAACAAGCT[T>A]CTGGTAAGTTAATGTAAACTCAAGGAATATTATAAGAAGTATATATGGAGGCCATCGTAT-3'
Protein context (NP_000050.3, residues 3205-3225): AQIIPGTGNK[Leu3215=]LMSSPNCEIY